The following is an entry in ClinVar:

NM_001005242.3(PKP2):c.1347C>A (p.Thr449=)

Gene: PKP2 (plakophilin 2; minus strand). Cytogenetic location: 12p11.21.
Variant type: single nucleotide variant.
Coding change: c.1347C>A on transcript NM_001005242.3 (MANE Select); coding-DNA position 1347, C replaced by A.
Protein change: p.Thr449=; no amino-acid change (threonine 449 retained).
Molecular consequence: synonymous variant.
Genome position (GRCh38, 1-based): chr12:32,850,797, G>T on the plus strand (C>A on the coding strand, the complement: PKP2 is on the minus strand). VCF-style: chr12-32850797-G-T. GRCh37 (hg19) VCF-style: chr12-33003731-G-T.
Other names: c.1347C>A, p.Thr449= (NM_001407155.1, NM_001407156.1, NM_001407157.1 and 2 more transcripts); c.1020C>A, p.Thr340= (NM_001407158.1, NM_001407159.1, NM_001407160.1 and 1 more transcripts).
Identifiers: ClinVar variation 3387483 (VCV003387483.2).

ClinVar aggregate classification (germline): Likely benign. Review status: criteria provided, multiple submitters, no conflicts (2 of 4 stars). 2 submissions from 2 submitters: Likely benign (2). Last evaluated 2024-02-22.

Conditions:
Cardiomyopathy (CMYO). Also called: Cardiomyopathies. Identifiers: Orphanet 167848, MedGen C0878544, MONDO:0004994, HP:0001638. Inheritance: Various modes of inheritance.
Arrhythmogenic right ventricular cardiomyopathy (ARVD). Also called: Arrhythmogenic right ventricular dysplasia; Cardiomyopathy, ARVC; Arrhythmogenic cardiomyopathy; Arrhythmogenic Right Ventricular Cardiomyopathy (ARVC). Identifiers: Orphanet 247, MedGen C0349788, MeSH D019571, MONDO:0016587. Disease mechanism: loss of function. Inheritance: Various modes of inheritance.

Submissions (2):

All of Us Research Program, National Institutes of Health
Classification: Likely benign for Arrhythmogenic right ventricular cardiomyopathy. Last evaluated: 2024-02-22. Review status: criteria provided, single submitter. Criteria: ACMG Guidelines, 2015. Collection method: clinical testing. Allele origin: germline. Inheritance: Autosomal dominant inheritance. Observed: 1 variant allele, 1 heterozygote.
Comment: This study involves interpretation of variants in research participants for the purpose of population health screening. Participant phenotype was not available at the time of variant classification. Additional details can be found in publication PMID: 35346344, PMCID: PMC8962531

Color Diagnostics, LLC DBA Color Health
Classification: Likely benign for Cardiomyopathy. Last evaluated: 2024-02-06. Review status: criteria provided, single submitter. Criteria: ACMG Guidelines, 2015. Collection method: clinical testing. Allele origin: germline.